The following is an entry in ClinVar:

NM_001783.4(CD79A):c.624C>T (p.Gly208=)

Genes: CD79A (CD79a molecule; plus strand), RPS19-CD79A (RPS19-CD79A readthrough; plus strand). Cytogenetic location: 19q13.2.
Variant type: single nucleotide variant.
Coding change: c.624C>T on transcript NM_001783.4 (MANE Select); coding-DNA position 624, C replaced by T.
Protein change: p.Gly208=; no amino-acid change (glycine 208 retained).
Molecular consequence: synonymous variant.
Genome position (GRCh38, 1-based): chr19:41,880,923, C>T. VCF-style: chr19-41880923-C-T. GRCh37 (hg19) VCF-style: chr19-42384990-C-T.
Other names: c.510C>T, p.Gly170= (NM_021601.4); c.624C>T (NM_001783.3).
Identifiers: ClinVar variation 1512072 (VCV001512072.10), dbSNP rs2123308093, ClinGen allele CA507578177.

ClinVar aggregate classification (germline): Likely benign. Review status: criteria provided, single submitter (1 of 4 stars). 2 submissions from 2 submitters: Likely benign (1). 1 of the submissions does not count toward it. Last evaluated 2022-08-23.

Conditions:
CD79A-related disorder. Also called: CD79A-related condition.
Agammaglobulinemia 3, autosomal recessive (AGM3). Also called: AGAMMAGLOBULINEMIA 3; AGAMMAGLOBULINEMIA, AUTOSOMAL RECESSIVE, DUE TO CD79A DEFECT. Identifiers: MedGen C3150751, MONDO:0013288, OMIM 613501.

Allele frequency attached by ClinVar (database versions not stated): gnomAD exomes below 0.00001.
gnomAD v4.1: 1 of 1,604,144 alleles (0.000062%); highest among the groups gnomAD compares: Non-Finnish European, 0.000085%; no homozygotes.

Submissions (2):

Labcorp Genetics (formerly Invitae), Labcorp
Classification: Likely benign for Agammaglobulinemia 3, autosomal recessive. Last evaluated: 2022-08-23. Review status: criteria provided, single submitter. Criteria: Invitae Variant Classification Sherloc (09022015). Collection method: clinical testing. Allele origin: germline.

PreventionGenetics, part of Exact Sciences
Classification: Likely benign for CD79A-related condition. Last evaluated: 2023-10-12. Review status: no assertion criteria provided. Collection method: clinical testing. Allele origin: germline. Not counted in ClinVar's aggregate classification.
Comment: This variant is classified as likely benign based on ACMG/AMP sequence variant interpretation guidelines (Richards et al. 2015 PMID: 25741868, with internal and published modifications).